The following is an entry in ClinVar:

ClinVar aggregate classification (germline): Uncertain significance (1 of 4 stars; one submission).

Allele frequency attached by ClinVar (database versions not stated): gnomAD 0.00001; TOPMed 0.00001.
gnomAD v4.1: 10 of 1,606,302 alleles (0.00062%); highest among the groups gnomAD compares: Non-Finnish European, 0.00076%; no homozygotes.

Submission:

Labcorp Genetics (formerly Invitae), Labcorp
Classification: Uncertain significance. Last evaluated: 2022-03-27. Review status: criteria provided, single submitter. Criteria: Invitae Variant Classification Sherloc (09022015). Collection method: clinical testing. Allele origin: germline.
Comment: This sequence change replaces proline, which is neutral and non-polar, with leucine, which is neutral and non-polar, at codon 151 of the MUT protein (p.Pro151Leu). This variant is not present in population databases (gnomAD no frequency). This variant has not been reported in the literature in individuals affected with MUT-related conditions. Algorithms developed to predict the effect of missense changes on protein structure and function are either unavailable or do not agree on the potential impact of this missense change (SIFT: "Deleterious"; PolyPhen-2: "Possibly Damaging"; Align-GVGD: "Class C0"). In summary, the available evidence is currently insufficient to determine the role of this variant in disease. Therefore, it has been classified as a Variant of Uncertain Significance.

NM_000255.4(MMUT):c.452C>T (p.Pro151Leu)

Gene: MMUT (methylmalonyl-CoA mutase; minus strand). Cytogenetic location: 6p12.3.
Variant type: single nucleotide variant.
Coding change: c.452C>T on transcript NM_000255.4 (MANE Select); coding-DNA position 452, C replaced by T.
Protein change: p.Pro151Leu; replaces proline 151 with leucine.
Molecular consequence: missense variant.
Genome position (GRCh38, 1-based): chr6:49,457,992, G>A on the plus strand (C>T on the coding strand, the complement: MMUT is on the minus strand). VCF-style: chr6-49457992-G-A. GRCh37 (hg19) VCF-style: chr6-49425705-G-A.
Other names: short protein forms P151L.
Identifiers: ClinVar variation 2118556 (VCV002118556.1), dbSNP rs1425614632, ClinGen allele CA364404693.
Genomic context (GRCh38, chr6:49,457,992, plus strand): 5'-TTGGTATCTTCCACAGTGTCAATAGCAACTCCAGCCATTCCAACATCACCACGAACTCGA[G>A]GGTTGTCTGAATCATAGCCACGATGTGTCGCCAGATCAAAGGCAACTGATAATCCCTGCT-3'
Protein context (NP_000246.2, residues 141-161): ATHRGYDSDN[Pro151Leu]RVRGDVGMAG